The following is an entry in ClinVar:

ClinVar aggregate classification (germline): Uncertain significance. Review status: criteria provided, multiple submitters, no conflicts (2 of 4 stars). 3 submissions from 3 submitters: Uncertain significance (3). Last evaluated 2026-06-04.

Conditions:
PCNT-related disorder. Also called: PCNT-related condition.
Inborn genetic diseases. Identifiers: MedGen C0950123, MeSH D030342.

Allele frequency attached by ClinVar (database versions not stated): gnomAD 0.00004 and 0.00005; TOPMed 0.00008; ExAC 0.00009; gnomAD exomes 0.00012 and 0.00014; ESP Exome Variant Server 0.00038.

Submissions (3):

PreventionGenetics, part of Exact Sciences
Classification: Uncertain significance for PCNT-related condition. Last evaluated: 2026-06-04. Review status: criteria provided, single submitter. Criteria: ACMG Guidelines, 2015. Collection method: clinical testing. Allele origin: germline.
Comment: The PCNT c.1820C>T variant is predicted to result in the amino acid substitution p.Ala607Val. To our knowledge, this variant has not been reported in the literature. This variant is reported in 0.040% of alleles in individuals of East Asian descent in gnomAD. At this time, the clinical significance of this variant is uncertain due to the absence of conclusive functional and genetic evidence.

Ambry Genetics
Classification: Uncertain significance for Inborn genetic diseases. Last evaluated: 2025-07-15. Review status: criteria provided, single submitter. Criteria: Ambry Variant Classification Scheme 2023. Collection method: clinical testing. Allele origin: germline.

Labcorp Genetics (formerly Invitae), Labcorp
Classification: Uncertain significance. Last evaluated: 2024-10-24. Review status: criteria provided, single submitter. Criteria: Invitae Variant Classification Sherloc (09022015). Collection method: clinical testing. Allele origin: germline.
Comment: This sequence change replaces alanine, which is neutral and non-polar, with valine, which is neutral and non-polar, at codon 607 of the PCNT protein (p.Ala607Val). This variant is present in population databases (rs146189038, gnomAD 0.04%). This variant has not been reported in the literature in individuals affected with PCNT-related conditions. ClinVar contains an entry for this variant (Variation ID: 1437953). An algorithm developed to predict the effect of missense changes on protein structure and function outputs the following: PolyPhen-2: "Possibly Damaging". The valine amino acid residue is found in multiple mammalian species, which suggests that this missense change does not adversely affect protein function. In summary, the available evidence is currently insufficient to determine the role of this variant in disease. Therefore, it has been classified as a Variant of Uncertain Significance.

NM_006031.6(PCNT):c.1820C>T (p.Ala607Val)

Gene: PCNT (pericentrin; plus strand). Cytogenetic location: 21q22.3.
Variant type: single nucleotide variant.
Coding change: c.1820C>T on transcript NM_006031.6 (MANE Select); coding-DNA position 1820, C replaced by T.
Protein change: p.Ala607Val; replaces alanine 607 with valine.
Molecular consequence: missense variant.
Genome position (GRCh38, 1-based): chr21:46,355,510, C>T. VCF-style: chr21-46355510-C-T. GRCh37 (hg19) VCF-style: chr21-47775425-C-T.
Other names: c.1820C>T (NM_006031.5); c.1466C>T, p.Ala489Val (NM_001315529.2); short protein forms A489V, A607V.
Identifiers: ClinVar variation 1437953 (VCV001437953.11), dbSNP rs146189038, ClinGen allele CA10078776.